The following is an entry in ClinVar:

NM_001267550.2(TTN):c.46928A>G (p.His15643Arg)

Genes: TTN (titin; minus strand), TTN-AS1 (TTN antisense RNA 1; plus strand). Cytogenetic location: 2q31.2.
Variant type: single nucleotide variant.
Coding change: c.46928A>G on transcript NM_001267550.2 (MANE Select); coding-DNA position 46928, A replaced by G.
Protein change: p.His15643Arg; replaces histidine 15643 with arginine.
Molecular consequence: missense variant.
Genome position (GRCh38, 1-based): chr2:178,618,622, T>C on the plus strand (A>G on the coding strand, the complement: TTN is on the minus strand). VCF-style: chr2-178618622-T-C. GRCh37 (hg19) VCF-style: chr2-179483349-T-C.
Other names: p.H13075R:CAT>CGT; c.19733A>G, p.His6578Arg (NM_003319.4); c.20108A>G, p.His6703Arg (NM_133432.3); c.20309A>G, p.His6770Arg (NM_133437.4); c.42005A>G, p.His14002Arg (NM_001256850.1); c.39224A>G, p.His13075Arg (NM_133378.4); short protein forms H13075R, H15643R, H14002R, H6578R, H6703R, H6770R.
Identifiers: ClinVar variation 178209 (VCV000178209.55), dbSNP rs368502650, ClinGen allele CA181794.
Genomic context (GRCh38, chr2:178,618,622, plus strand): 5'-TCTGAGAGACCCAAGGGCTTACCAATAACTTTTAAATTGATGAATCCTTCTGCTTTTCCA[T>C]GTTTGTTCTGAAGCACAATTTTATACCTCCCTTTGTCTCCTTTCTTGGCTTCTAAAATTC-3'
Protein context (NP_001254479.2, residues 15633-15653): GRYKIVLQNK[His15643Arg]GKAEGFINLK

ClinVar aggregate classification (germline): Conflicting classifications of pathogenicity. Review status: criteria provided, conflicting classifications (1 of 4 stars). 10 submissions from 10 submitters: Uncertain significance (4); Likely benign (6). Last evaluated 2026-01-13.

Conditions:
Cardiovascular phenotype. Identifiers: MedGen CN230736.
TTN-related disorder. Also called: TTN-related disorders; TTN-related condition; TTN-related disease.
Dilated cardiomyopathy 1G (CMD1G). Identifiers: Orphanet 154, MedGen C1858763, MONDO:0011400, OMIM 604145.
Autosomal recessive limb-girdle muscular dystrophy type 2J (LGMDR10). Also called: Limb-girdle muscular dystrophy, type 2J; MUSCULAR DYSTROPHY, LIMB-GIRDLE, AUTOSOMAL RECESSIVE 10. Identifiers: Orphanet 140922, MedGen C1837342, MONDO:0012127, OMIM 608807.

Allele frequency attached by ClinVar (database versions not stated): ESP Exome Variant Server 0.00008; ExAC 0.00011; 1000 Genomes Project 30x 0.00016; 1000 Genomes Project 0.00020; gnomAD exomes 0.00022 and 0.00027; gnomAD 0.00024 and 0.00025; TOPMed 0.00026.
gnomAD v4.1: 440 of 1,612,292 alleles (0.027%); highest among the groups gnomAD compares: Admixed American, 0.037%; no homozygotes.

Submissions (10):

Labcorp Genetics (formerly Invitae), Labcorp
Classification: Likely benign for Dilated cardiomyopathy 1G; Autosomal recessive limb-girdle muscular dystrophy type 2J. Last evaluated: 2026-01-13. Review status: criteria provided, single submitter. Criteria: Invitae Variant Classification Sherloc (09022015). Collection method: clinical testing. Allele origin: germline.

Women's Health and Genetics/Laboratory Corporation of America, LabCorp
Classification: Likely benign. Last evaluated: 2025-07-09. Review status: criteria provided, single submitter. Criteria: LabCorp Variant Classification Summary - May 2015. Collection method: clinical testing. Allele origin: germline.
Comment: Variant summary: TTN c.39224A>G (p.His13075Arg) results in a non-conservative amino acid change in the encoded protein sequence. Algorithms developed to predict the effect of missense changes on protein structure and function are either unavailable or do not agree on the potential impact of this missense change. The variant allele was found at a frequency of 0.00027 in 1612292 control chromosomes, predominantly at a frequency of 0.0013 within the Ashkenazi Jewish subpopulation in the gnomAD database. The observed variant frequency within Ashkenazi Jewish control individuals in the gnomAD database is approximately 3-fold of the estimated maximal expected allele frequency for a pathogenic variant in TTN causing Dilated Cardiomyopathy phenotype (0.00039). c.39224A>G has been observed in at least one individual affected with Hypertrophic Cardiomyopathy, without strong evidence for causality (e.g. Lopes_2013). This report does not provide unequivocal conclusions about association of the variant with Dilated Cardiomyopathy. To our knowledge, no experimental evidence demonstrating an impact on protein function has been reported. The following publication has been ascertained in the context of this evaluation (PMID: 23396983). ClinVar contains an entry for this variant (Variation ID: 178209). Based on the evidence outlined above, the variant was classified as likely benign.

PreventionGenetics, part of Exact Sciences
Classification: Likely benign for TTN-related condition. Last evaluated: 2025-06-16. Review status: criteria provided, single submitter. Criteria: ACMG Guidelines, 2015. Collection method: clinical testing. Allele origin: germline.
Comment: This variant is classified as likely benign based on ACMG/AMP sequence variant interpretation guidelines (Richards et al. 2015 PMID: 25741868, with internal and published modifications).

Blueprint Genetics
Classification: Likely benign. Last evaluated: 2024-11-06. Review status: criteria provided, single submitter. Criteria: ACMG Guidelines, 2015. Collection method: clinical testing. Allele origin: germline.

ARUP Laboratories, Molecular Genetics and Genomics, ARUP Laboratories
Classification: Uncertain significance. Last evaluated: 2023-11-09. Review status: criteria provided, single submitter. Criteria: ARUP Molecular Germline Variant Investigation Process 2024. Collection method: clinical testing. Allele origin: germline.

Revvity Omics, Revvity
Classification: Uncertain significance. Last evaluated: 2023-06-30. Review status: criteria provided, single submitter. Criteria: ACMG Guidelines, 2015. Collection method: clinical testing. Allele origin: germline.

CeGaT Center for Human Genetics Tuebingen
Classification: Uncertain significance. Last evaluated: 2022-09-01. Review status: criteria provided, single submitter. Criteria: CeGaT Center For Human Genetics Tuebingen Variant Classification Criteria Version 2. Collection method: clinical testing. Allele origin: germline. Affected: yes. Observed: 2 variant alleles.

GeneDx
Classification: Likely benign. Last evaluated: 2021-04-12. Review status: criteria provided, single submitter. Criteria: GeneDx Variant Classification Process June 2021. Collection method: clinical testing. Allele origin: germline. Affected: yes.
Comment: This variant is associated with the following publications: (PMID: 23396983)

Ambry Genetics
Classification: Likely benign for Cardiovascular phenotype. Last evaluated: 2020-06-08. Review status: criteria provided, single submitter. Criteria: Ambry Variant Classification Scheme 2023. Collection method: clinical testing. Allele origin: germline.

Laboratory for Molecular Medicine, Mass General Brigham Personalized Medicine
Classification: Uncertain significance. Last evaluated: 2015-05-20. Review status: criteria provided, single submitter. Criteria: LMM Criteria. Collection method: clinical testing. Allele origin: germline. Observed: 2 variant alleles.
Comment: This variant ha s also been identified in 10/66616 European chromosomes by the Exome Aggregation Consortium (ExAC; dbSNP rs368502650). Computati onal prediction tools and conservation analysis suggest that this variant may im pact the protein, though this information is not predictive enough to determine pathogenicity. In summary, the clinical significance of the p.His13075Arg varian t is uncertain.

Literature cited by the submitters: PubMed 23396983 (cited by Women's Health and Genetics/Laboratory Corporation of America, LabCorp and Ambry Genetics).